The following is an entry in ClinVar:

NM_033109.5(PNPT1):c.649G>A (p.Val217Met)

Gene: PNPT1 (polyribonucleotide nucleotidyltransferase 1; minus strand). Cytogenetic location: 2p16.1.
Variant type: single nucleotide variant.
Coding change: c.649G>A on transcript NM_033109.5 (MANE Select); coding-DNA position 649, G replaced by A.
Protein change: p.Val217Met; replaces valine 217 with methionine.
Molecular consequence: missense variant.
Genome position (GRCh38, 1-based): chr2:55,679,712, C>T on the plus strand (G>A on the coding strand, the complement: PNPT1 is on the minus strand). VCF-style: chr2-55679712-C-T. GRCh37 (hg19) VCF-style: chr2-55906847-C-T.
Other names: short protein forms V217M.
Identifiers: ClinVar variation 1415177 (VCV001415177.9), dbSNP rs758922668, ClinGen allele CA1668386.
Genomic context (GRCh38, chr2:55,679,712, plus strand): 5'-AGAACAAATGTGGTATTTAAAACAACTTACCAATCTGACTTTTAGGTGCTCCAGCAACCA[C>T]TAAATTTAAAGTACTAGAAGACATTTCTTTTCTTGTTGGGTTAACAACATATTCTCCATC-3'
Protein context (NP_149100.2, residues 207-227): KEMSSSTLNL[Val217Met]VAGAPKSQIV

ClinVar aggregate classification (germline): Uncertain significance. Review status: criteria provided, multiple submitters, no conflicts (2 of 4 stars). 2 submissions from 2 submitters: Uncertain significance (2). Last evaluated 2022-07-12.

Allele frequency attached by ClinVar (database versions not stated): gnomAD exomes below 0.00001; ExAC 0.00001; TOPMed 0.00001; gnomAD 0.00003.

Submissions (2):

Labcorp Genetics (formerly Invitae), Labcorp
Classification: Uncertain significance. Last evaluated: 2022-07-12. Review status: criteria provided, single submitter. Criteria: Invitae Variant Classification Sherloc (09022015). Collection method: clinical testing. Allele origin: germline.
Comment: In summary, the available evidence is currently insufficient to determine the role of this variant in disease. Therefore, it has been classified as a Variant of Uncertain Significance. This sequence change replaces valine, which is neutral and non-polar, with methionine, which is neutral and non-polar, at codon 217 of the PNPT1 protein (p.Val217Met). This variant is present in population databases (rs758922668, gnomAD 0.01%). This variant has not been reported in the literature in individuals affected with PNPT1-related conditions. ClinVar contains an entry for this variant (Variation ID: 1415177). Advanced modeling of protein sequence and biophysical properties (such as structural, functional, and spatial information, amino acid conservation, physicochemical variation, residue mobility, and thermodynamic stability) performed at Invitae indicates that this missense variant is expected to disrupt PNPT1 protein function.

GeneDx
Classification: Uncertain significance. Last evaluated: 2022-04-06. Review status: criteria provided, single submitter. Criteria: GeneDx Variant Classification Process June 2021. Collection method: clinical testing. Allele origin: germline. Affected: yes.
Comment: Not observed at significant frequency in large population cohorts (gnomAD); In silico analysis supports that this missense variant does not alter protein structure/function; Has not been previously published as pathogenic or benign to our knowledge